The following is an entry in ClinVar:

ClinVar aggregate classification (germline): Benign. Review status: criteria provided, multiple submitters, no conflicts (2 of 4 stars). 3 submissions from 3 submitters: Benign (3). Last evaluated 2018-11-10.

Conditions:
Infertility associated with multi-tailed spermatozoa and excessive DNA (SPGF5). Also called: Male Infertility with Large-Headed, Multiflagellar, Polyploid Spermatozoa; spermatogenic failure 5. Identifiers: Orphanet 137893, MedGen C0403812, MONDO:0009461, OMIM 243060.

Allele frequency attached by ClinVar (database versions not stated): TOPMed 0.85872; gnomAD 0.86511; 1000 Genomes Project 0.86761; 1000 Genomes Project 30x 0.87055.

Submissions (3):

GeneDx
Classification: Benign. Last evaluated: 2018-11-10. Review status: criteria provided, single submitter. Criteria: GeneDx Variant Classification Process June 2021. Collection method: clinical testing. Allele origin: germline. Affected: yes.

Illumina Laboratory Services, Illumina
Classification: Benign for Infertility associated with multi-tailed spermatozoa and excessive DNA. Last evaluated: 2018-01-13. Review status: criteria provided, single submitter. Criteria: ICSL Variant Classification Criteria 13 December 2019. Collection method: clinical testing. Allele origin: germline.
Comment: This variant was observed in the ICSL laboratory as part of a predisposition screen in an ostensibly healthy population. It had not been previously curated by ICSL or reported in the Human Gene Mutation Database (HGMD: prior to June 1st, 2018), and was therefore a candidate for classification through an automated scoring system. Utilizing variant allele frequency, disease prevalence and penetrance estimates, and inheritance mode, an automated score was calculated to assess if this variant is too frequent to cause the disease. Based on the score and internal cut-off values, a variant classified as benign is not then subjected to further curation. The score for this variant resulted in a classification of benign for this disease.

Breakthrough Genomics
Classification: Benign. Review status: criteria provided, single submitter. Criteria: ACMG Guidelines, 2015. Collection method: not provided. Allele origin: germline. Inheritance: Autosomal recessive inheritance. Affected: yes.

NM_001015878.2(AURKC):c.-145G>C

Gene: AURKC (aurora kinase C; plus strand). Cytogenetic location: 19q13.43.
Variant type: single nucleotide variant.
Coding change: c.-145G>C on transcript NM_001015878.2 (MANE Select); 145 bases upstream of the start codon, G replaced by C.
Molecular consequence: 5 prime UTR variant.
Genome position (GRCh38, 1-based): chr19:57,231,104, G>C. VCF-style: chr19-57231104-G-C. GRCh37 (hg19) VCF-style: chr19-57742472-G-C.
Other names: c.-10G>C (NM_001015879.2); c.-60G>C (NM_003160.3).
Identifiers: ClinVar variation 330224 (VCV000330224.7), dbSNP rs11084490, ClinGen allele CA9695789.